The following is an entry in ClinVar:

ClinVar aggregate classification (germline): Uncertain significance (1 of 4 stars; one submission).

Conditions:
Parathyroid carcinoma (PRTC). Also called: Parathyroid gland carcinoma; CDC73-Related Parathyroid Carcinoma. Identifiers: Orphanet 143, MedGen C0687150, MONDO:0012004, OMIM 608266, HP:0006780.

Submission:

Labcorp Genetics (formerly Invitae), Labcorp
Classification: Uncertain significance for Parathyroid carcinoma. Last evaluated: 2023-05-18. Review status: criteria provided, single submitter. Criteria: Invitae Variant Classification Sherloc (09022015). Collection method: clinical testing. Allele origin: germline.
Comment: This variant has not been reported in the literature in individuals affected with CDC73-related conditions. In summary, the available evidence is currently insufficient to determine the role of this variant in disease. Therefore, it has been classified as a Variant of Uncertain Significance. Algorithms developed to predict the effect of sequence changes on RNA splicing suggest that this variant is not likely to affect RNA splicing. This variant is not present in population databases (gnomAD no frequency). This sequence change affects codon 123 of the CDC73 mRNA. It is a 'silent' change, meaning that it does not change the encoded amino acid sequence of the CDC73 protein. It affects a nucleotide within the consensus splice site.

NM_024529.5(CDC73):c.369A>G (p.Gln123=)

Gene: CDC73 (cell division cycle 73; plus strand). Cytogenetic location: 1q31.2.
Variant type: single nucleotide variant.
Coding change: c.369A>G on transcript NM_024529.5 (MANE Select); coding-DNA position 369, A replaced by G.
Protein change: p.Gln123=; no amino-acid change (glutamine 123 retained).
Molecular consequence: synonymous variant.
Genome position (GRCh38, 1-based): chr1:193,135,452, A>G. VCF-style: chr1-193135452-A-G. GRCh37 (hg19) VCF-style: chr1-193104582-A-G.
Identifiers: ClinVar variation 2986024 (VCV002986024.3), dbSNP rs2527311968, ClinGen allele CA422344335.